The following is an entry in ClinVar:

NM_004817.4(TJP2):c.1059C>G (p.Ile353Met)

Gene: TJP2 (tight junction protein 2; plus strand). Cytogenetic location: 9q21.11.
Variant type: single nucleotide variant.
Coding change: c.1059C>G on transcript NM_004817.4 (MANE Select); coding-DNA position 1059, C replaced by G.
Protein change: p.Ile353Met; replaces isoleucine 353 with methionine.
Molecular consequence: missense variant.
Genome position (GRCh38, 1-based): chr9:69,226,024, C>G. VCF-style: chr9-69226024-C-G. GRCh37 (hg19) VCF-style: chr9-71840940-C-G.
Other names: c.990C>G, p.Ile330Met (NM_001170414.2, NM_001369870.1, NM_001369871.1); c.1071C>G, p.Ile357Met (NM_001170415.1, NM_001369874.1, NM_001369875.1); c.1152C>G, p.Ile384Met (NM_001170416.2); c.1059C>G, p.Ile353Met (NM_001369872.1, NM_001369873.1, NM_201629.3); short protein forms I330M, I353M, I357M, I384M.
Identifiers: ClinVar variation 3900811 (VCV003900811.1).

ClinVar aggregate classification (germline): Uncertain significance (1 of 4 stars; one submission).

gnomAD v4.1: 41 of 1,613,908 alleles (0.0025%); highest among the groups gnomAD compares: Non-Finnish European, 0.0035%; no homozygotes.

Submission:

GeneDx
Classification: Uncertain significance. Last evaluated: 2024-12-02. Review status: criteria provided, single submitter. Criteria: GeneDx Variant Classification Process June 2021. Collection method: clinical testing. Allele origin: germline. Affected: yes.
Comment: Not observed at significant frequency in large population cohorts (gnomAD); In silico analysis supports that this missense variant has a deleterious effect on protein structure/function; Has not been previously published as pathogenic or benign to our knowledge